The following is an entry in ClinVar:

NM_000537.4(REN):c.1196G>A (p.Arg399His)

Gene: REN (renin; minus strand). Cytogenetic location: 1q32.1.
Variant type: single nucleotide variant.
Coding change: c.1196G>A on transcript NM_000537.4 (MANE Select); coding-DNA position 1196, G replaced by A.
Protein change: p.Arg399His; replaces arginine 399 with histidine.
Molecular consequence: missense variant.
Genome position (GRCh38, 1-based): chr1:204,155,041, C>T on the plus strand (G>A on the coding strand, the complement: REN is on the minus strand). VCF-style: chr1-204155041-C-T. GRCh37 (hg19) VCF-style: chr1-204124169-C-T.
Other names: c.1196G>A (NM_000537.3); short protein forms R399H.
Identifiers: ClinVar variation 1503882 (VCV001503882.8), dbSNP rs145852603, ClinGen allele CA1344632.

ClinVar aggregate classification (germline): Uncertain significance. Review status: criteria provided, multiple submitters, no conflicts (2 of 4 stars). 2 submissions from 2 submitters: Uncertain significance (2). Last evaluated 2024-08-19.

Conditions:
Inborn genetic diseases. Identifiers: MedGen C0950123, MeSH D030342.

Allele frequency attached by ClinVar (database versions not stated): gnomAD 0.00001; ExAC 0.00002; gnomAD exomes 0.00002 and 0.00003; TOPMed 0.00002; ESP Exome Variant Server 0.00008.
gnomAD v4.1: 41 of 1,614,012 alleles (0.0025%); highest among the groups gnomAD compares: Non-Finnish European, 0.0032%; no homozygotes.

Submissions (2):

Labcorp Genetics (formerly Invitae), Labcorp
Classification: Uncertain significance. Last evaluated: 2024-08-19. Review status: criteria provided, single submitter. Criteria: Invitae Variant Classification Sherloc (09022015). Collection method: clinical testing. Allele origin: germline.
Comment: This sequence change replaces arginine, which is basic and polar, with histidine, which is basic and polar, at codon 399 of the REN protein (p.Arg399His). This variant is present in population databases (rs145852603, gnomAD 0.005%). This variant has not been reported in the literature in individuals affected with REN-related conditions. ClinVar contains an entry for this variant (Variation ID: 1503882). Invitae Evidence Modeling of protein sequence and biophysical properties (such as structural, functional, and spatial information, amino acid conservation, physicochemical variation, residue mobility, and thermodynamic stability) has been performed for this missense variant. However, the output from this modeling did not meet the statistical confidence thresholds required to predict the impact of this variant on REN protein function. In summary, the available evidence is currently insufficient to determine the role of this variant in disease. Therefore, it has been classified as a Variant of Uncertain Significance.

Ambry Genetics
Classification: Uncertain significance for Inborn genetic diseases. Last evaluated: 2023-07-14. Review status: criteria provided, single submitter. Criteria: Ambry Variant Classification Scheme 2023. Collection method: clinical testing. Allele origin: germline.